The following is an entry in ClinVar:

NM_006031.6(PCNT):c.3757G>T (p.Glu1253Ter)

Gene: PCNT (pericentrin; plus strand). Cytogenetic location: 21q22.3.
Variant type: single nucleotide variant.
Coding change: c.3757G>T on transcript NM_006031.6 (MANE Select); coding-DNA position 3757, G replaced by T.
Protein change: p.Glu1253Ter; replaces glutamic acid 1253 with a stop codon.
Molecular consequence: nonsense.
Genome position (GRCh38, 1-based): chr21:46,389,348, G>T. VCF-style: chr21-46389348-G-T. GRCh37 (hg19) VCF-style: chr21-47809263-G-T.
Other names: c.3403G>T, p.Glu1135Ter (NM_001315529.2); short protein forms E1253*, E1135*.
Identifiers: ClinVar variation 498776 (VCV000498776.8), dbSNP rs1555973872, ClinGen allele CA410575629.

ClinVar aggregate classification (germline): Pathogenic. Review status: criteria provided, multiple submitters, no conflicts (2 of 4 stars). 2 submissions from 2 submitters: Pathogenic (2). Last evaluated 2023-11-28.

Submissions (2):

Labcorp Genetics (formerly Invitae), Labcorp
Classification: Pathogenic. Last evaluated: 2023-11-28. Review status: criteria provided, single submitter. Criteria: Invitae Variant Classification Sherloc (09022015). Collection method: clinical testing. Allele origin: germline.
Comment: This sequence change creates a premature translational stop signal (p.Glu1253*) in the PCNT gene. It is expected to result in an absent or disrupted protein product. Loss-of-function variants in PCNT are known to be pathogenic (PMID: 18174396, 22821869). This variant is not present in population databases (gnomAD no frequency). This variant has not been reported in the literature in individuals affected with PCNT-related conditions. ClinVar contains an entry for this variant (Variation ID: 498776). For these reasons, this variant has been classified as Pathogenic.

Eurofins Ntd Llc (ga)
Classification: Pathogenic. Last evaluated: 2016-12-08. Review status: criteria provided, single submitter. Criteria: EGL Classification Definitions 2015. Collection method: clinical testing. Allele origin: germline. Observed: 1 variant allele, 1 heterozygote.

Literature cited by the submitters: PubMed 18174396 (cited by Labcorp Genetics (formerly Invitae), Labcorp); PubMed 22821869 (cited by Labcorp Genetics (formerly Invitae), Labcorp).